The following is an entry in ClinVar:

NM_001876.4(CPT1A):c.1046A>G (p.His349Arg)

Gene: CPT1A (carnitine palmitoyltransferase 1A; minus strand). Cytogenetic location: 11q13.3.
Variant type: single nucleotide variant.
Coding change: c.1046A>G on transcript NM_001876.4 (MANE Select); coding-DNA position 1046, A replaced by G.
Protein change: p.His349Arg; replaces histidine 349 with arginine.
Molecular consequence: missense variant.
Genome position (GRCh38, 1-based): chr11:68,784,932, T>C on the plus strand (A>G on the coding strand, the complement: CPT1A is on the minus strand). VCF-style: chr11-68784932-T-C. GRCh37 (hg19) VCF-style: chr11-68552400-T-C.
Other names: c.1046A>G, p.His349Arg (NM_001031847.3); short protein forms H349R.
Identifiers: ClinVar variation 2142584 (VCV002142584.1), dbSNP rs753889040, ClinGen allele CA6152431.

ClinVar aggregate classification (germline): Uncertain significance (1 of 4 stars; one submission).

Conditions:
Carnitine palmitoyl transferase 1A deficiency. Also called: CPT I DEFICIENCY; CPT DEFICIENCY, HEPATIC, TYPE I; CPT deficiency, hepatic, type IA; Carnitine palmitoyltransferase 1A deficiency; Carnitine palmitoyltransferase type I deficiency. Identifiers: Orphanet 156, MedGen C1829703, MONDO:0009705, OMIM 255120.

Allele frequency attached by ClinVar (database versions not stated): ExAC 0.00001; gnomAD 0.00001.
gnomAD v4.1: 1 of 1,614,026 alleles (0.000062%); highest among the groups gnomAD compares: Non-Finnish European, 0.000085%; no homozygotes.

Submission:

Labcorp Genetics (formerly Invitae), Labcorp
Classification: Uncertain significance for Carnitine palmitoyl transferase 1A deficiency. Last evaluated: 2021-05-23. Review status: criteria provided, single submitter. Criteria: Invitae Variant Classification Sherloc (09022015). Collection method: clinical testing. Allele origin: germline.
Comment: This sequence change replaces histidine with arginine at codon 349 of the CPT1A protein (p.His349Arg). The histidine residue is moderately conserved and there is a small physicochemical difference between histidine and arginine. This variant is present in population databases (rs753889040, ExAC 0.01%). This variant has not been reported in the literature in individuals with CPT1A-related disease. Algorithms developed to predict the effect of missense changes on protein structure and function are either unavailable or do not agree on the potential impact of this missense change (SIFT: "Deleterious"; PolyPhen-2: "Benign"; Align-GVGD: "Class C0"). In summary, the available evidence is currently insufficient to determine the role of this variant in disease. Therefore, it has been classified as a Variant of Uncertain Significance.